The following is an entry in ClinVar:

NM_001082971.2(DDC):c.128C>G (p.Pro43Arg)

Gene: DDC (dopa decarboxylase; minus strand). Cytogenetic location: 7p12.1.
Variant type: single nucleotide variant.
Coding change: c.128C>G on transcript NM_001082971.2 (MANE Select); coding-DNA position 128, C replaced by G.
Protein change: p.Pro43Arg; replaces proline 43 with arginine.
Molecular consequence: missense variant.
Genome position (GRCh38, 1-based): chr7:50,543,958, G>C on the plus strand (C>G on the coding strand, the complement: DDC is on the minus strand). VCF-style: chr7-50543958-G-C. GRCh37 (hg19) VCF-style: chr7-50611656-G-C.
Other names: c.128C>G, p.Pro43Arg (NM_000790.4, NM_001242886.2, NM_001242887.2 and 3 more transcripts); short protein forms P43R.
Identifiers: ClinVar variation 942189 (VCV000942189.10), dbSNP rs2044719409, ClinGen allele CA367531839.

ClinVar aggregate classification (germline): Uncertain significance (1 of 4 stars; one submission).

Conditions:
Deficiency of aromatic-L-amino-acid decarboxylase. Also called: AADC DEFICIENCY; DDC DEFICIENCY; DOPA DECARBOXYLASE DEFICIENCY; Aromatic L-Amino Acid Decarboxylase Deficiency; Aromatic amino acid decarboxylase deficiency. Identifiers: Orphanet 35708, MedGen C1291564, MONDO:0012084, OMIM 608643.

Submission:

Labcorp Genetics (formerly Invitae), Labcorp
Classification: Uncertain significance for Deficiency of aromatic-L-amino-acid decarboxylase. Last evaluated: 2022-10-10. Review status: criteria provided, single submitter. Criteria: Invitae Variant Classification Sherloc (09022015). Collection method: clinical testing. Allele origin: germline.
Comment: This missense change has been observed in individual(s) with DDC-related conditions (Invitae). ClinVar contains an entry for this variant (Variation ID: 942189). Advanced modeling of protein sequence and biophysical properties (such as structural, functional, and spatial information, amino acid conservation, physicochemical variation, residue mobility, and thermodynamic stability) performed at Invitae indicates that this missense variant is expected to disrupt DDC protein function. In summary, the available evidence is currently insufficient to determine the role of this variant in disease. Therefore, it has been classified as a Variant of Uncertain Significance. This variant is not present in population databases (gnomAD no frequency). This sequence change replaces proline, which is neutral and non-polar, with arginine, which is basic and polar, at codon 43 of the DDC protein (p.Pro43Arg).